The following is an entry in ClinVar:

NM_021975.4(RELA):c.871G>A (p.Asp291Asn)

Gene: RELA (RELA proto-oncogene, NF-kB subunit; minus strand). Cytogenetic location: 11q13.1.
Variant type: single nucleotide variant.
Coding change: c.871G>A on transcript NM_021975.4 (MANE Select); coding-DNA position 871, G replaced by A.
Protein change: p.Asp291Asn; replaces aspartic acid 291 with asparagine.
Molecular consequence: missense variant.
Genome position (GRCh38, 1-based): chr11:65,658,293, C>T on the plus strand (G>A on the coding strand, the complement: RELA is on the minus strand). VCF-style: chr11-65658293-C-T. GRCh37 (hg19) VCF-style: chr11-65425764-C-T.
Other names: c.862G>A, p.Asp288Asn (NM_001145138.2); c.871G>A, p.Asp291Asn (NM_001243984.2, NM_001243985.2); short protein forms D288N, D291N.
Identifiers: ClinVar variation 791495 (VCV000791495.40), dbSNP rs61759893, ClinGen allele CA6106785.

ClinVar aggregate classification (germline): Benign/Likely benign. Review status: criteria provided, multiple submitters, no conflicts (2 of 4 stars). 8 submissions from 8 submitters: Benign (2); Likely benign (5). 1 of the submissions does not count toward it. Last evaluated 2026-10-01.

Conditions:
RELA-related disorder. Also called: RELA-related condition.
Autoinflammatory disease, familial, Behcet-like-3. Also called: Mucocutaneous ulceration, chronic. Identifiers: Orphanet 596759, MedGen C4748997, MONDO:0032659, OMIM 618287.

Allele frequency attached by ClinVar (database versions not stated): 1000 Genomes Project 0.00280; 1000 Genomes Project 30x 0.00328; TOPMed 0.00345; ESP Exome Variant Server 0.00346; gnomAD 0.00389 and 0.00402; gnomAD exomes 0.00406 and 0.00437; ExAC 0.00752.
gnomAD v4.1: 6,821 of 1,594,254 alleles (0.43%); highest among the groups gnomAD compares: Non-Finnish European, 0.49%; 25 homozygotes.

Submissions (8):

CeGaT Center for Human Genetics Tuebingen
Classification: Likely benign. Last evaluated: 2026-10-01. Review status: criteria provided, single submitter. Criteria: CeGaT Center For Human Genetics Tuebingen Variant Classification Criteria Version 2. Collection method: clinical testing. Allele origin: germline. Affected: yes. Observed: 18 variant alleles.
Comment: RELA: BS2

Women's Health and Genetics/Laboratory Corporation of America, LabCorp
Classification: Likely benign. Last evaluated: 2026-03-31. Review status: criteria provided, single submitter. Criteria: LabCorp Variant Classification Summary - May 2015. Collection method: clinical testing. Allele origin: germline.

Labcorp Genetics (formerly Invitae), Labcorp
Classification: Benign. Last evaluated: 2026-02-02. Review status: criteria provided, single submitter. Criteria: Invitae Variant Classification Sherloc (09022015). Collection method: clinical testing. Allele origin: germline.

Blueprint Genetics
Classification: Likely benign. Last evaluated: 2024-11-26. Review status: criteria provided, single submitter. Criteria: ACMG Guidelines, 2015. Collection method: clinical testing. Allele origin: germline.

Fulgent Genetics
Classification: Likely benign for Autoinflammatory disease, familial, Behcet-like-3. Last evaluated: 2021-07-19. Review status: criteria provided, single submitter. Criteria: ACMG Guidelines, 2015. Collection method: clinical testing. Allele origin: unknown.

GeneDx
Classification: Likely benign. Last evaluated: 2015-03-03. Review status: criteria provided, single submitter. Criteria: GeneDx Variant Classification Process June 2021. Collection method: clinical testing. Allele origin: germline. Affected: yes.
Comment: See Variant Classification Assertion Criteria.

Breakthrough Genomics
Classification: Benign. Review status: criteria provided, single submitter. Criteria: ACMG Guidelines, 2015. Collection method: not provided. Allele origin: germline. Inheritance: Autosomal dominant inheritance. Affected: yes.

PreventionGenetics, part of Exact Sciences
Classification: Benign for RELA-related condition. Last evaluated: 2019-06-14. Review status: no assertion criteria provided. Collection method: clinical testing. Allele origin: germline. Not counted in ClinVar's aggregate classification.
Comment: This variant is classified as benign based on ACMG/AMP sequence variant interpretation guidelines (Richards et al. 2015 PMID: 25741868, with internal and published modifications).